The following is an entry in ClinVar:

ClinVar aggregate classification (germline): Uncertain significance (1 of 4 stars; one submission).

gnomAD v4.1: 2 of 1,614,154 alleles (0.00012%); highest among the groups gnomAD compares: East Asian, 0.0045%; no homozygotes.

Submission:

Women's Health and Genetics/Laboratory Corporation of America, LabCorp
Classification: Uncertain significance. Last evaluated: 2024-12-02. Review status: criteria provided, single submitter. Criteria: LabCorp Variant Classification Summary - May 2015. Collection method: clinical testing. Allele origin: germline.
Comment: Variant summary: DMXL2 c.5768A>T (p.Gln1923Leu) results in a non-conservative amino acid change in the encoded protein sequence. Four of five in-silico tools predict a benign effect of the variant on protein function. The variant allele was found at a frequency of 4e-06 in 251270 control chromosomes. The available data on variant occurrences in the general population are insufficient to allow any conclusion about variant significance. To our knowledge, no occurrence of c.5768A>T in individuals affected with DMXL2-Related Disorders and no experimental evidence demonstrating its impact on protein function have been reported. No submitters have cited clinical-significance assessments for this variant to ClinVar. Based on the evidence outlined above, the variant was classified as uncertain significance.

NM_001378457.1(DMXL2):c.5768A>T (p.Gln1923Leu)

Gene: DMXL2 (Dmx like 2; minus strand). Cytogenetic location: 15q21.2.
Variant type: single nucleotide variant.
Coding change: c.5768A>T on transcript NM_001378457.1 (MANE Select); coding-DNA position 5768, A replaced by T.
Protein change: p.Gln1923Leu; replaces glutamine 1923 with leucine.
Molecular consequence: missense variant. On other transcripts: non-coding transcript variant (2).
Genome position (GRCh38, 1-based): chr15:51,481,338, T>A on the plus strand (A>T on the coding strand, the complement: DMXL2 is on the minus strand). VCF-style: chr15-51481338-T-A. GRCh37 (hg19) VCF-style: chr15-51773535-T-A.
Other names: c.5768A>T, p.Gln1923Leu (NM_001174116.3, NM_001378458.1, NM_001378459.1 and 4 more transcripts); c.3860A>T, p.Gln1287Leu (NM_001174117.3); c.3749A>T, p.Gln1250Leu (NM_001378460.1); c.5528A>T, p.Gln1843Leu (NM_001378464.1); short protein forms Q1250L, Q1287L, Q1843L, Q1923L.
Identifiers: ClinVar variation 3768355 (VCV003768355.1).